The following is an entry in ClinVar:

ClinVar aggregate classification (germline): Conflicting classifications of pathogenicity. Review status: criteria provided, conflicting classifications (1 of 4 stars). 7 submissions from 7 submitters: Uncertain significance (2); Likely benign (4). 1 of the submissions does not count toward it. Last evaluated 2026-01-22.

Conditions:
Cohen syndrome (COH1). Also called: PEPPER SYNDROME; Cutis verticis gyrata, retinitis pigmentosa, and sensorineural deafness. Identifiers: Orphanet 193, MedGen C0265223, MONDO:0008999, OMIM 216550.
VPS13B-related disorder. Also called: VPS13B-related condition.
Inborn genetic diseases. Identifiers: MedGen C0950123, MeSH D030342.

Allele frequency attached by ClinVar (database versions not stated): ExAC 0.00002; gnomAD 0.00002; TOPMed 0.00002; gnomAD exomes 0.00004 and 0.00008.
gnomAD v4.1: 25 of 1,613,888 alleles (0.0015%); highest among the groups gnomAD compares: Admixed American, 0.04%; no homozygotes.

Submissions (7):

Labcorp Genetics (formerly Invitae), Labcorp
Classification: Likely benign for Cohen syndrome. Last evaluated: 2026-01-22. Review status: criteria provided, single submitter. Criteria: Invitae Variant Classification Sherloc (09022015). Collection method: clinical testing. Allele origin: germline.

Mayo Clinic Laboratories, Mayo Clinic
Classification: Likely benign. Last evaluated: 2025-09-11. Review status: criteria provided, single submitter. Criteria: ACMG Guidelines, 2015. Collection method: clinical testing. Allele origin: germline. Observed: 1 variant allele.
Comment: BP4, BP7, PM2_supporting

GeneDx
Classification: Uncertain significance. Last evaluated: 2023-08-17. Review status: criteria provided, single submitter. Criteria: GeneDx Variant Classification Process June 2021. Collection method: clinical testing. Allele origin: germline. Affected: yes.
Comment: In silico analysis supports that this variant does not alter splicing; Has not been previously published as pathogenic or benign to our knowledge

Blueprint Genetics
Classification: Likely benign. Last evaluated: 2022-06-27. Review status: criteria provided, single submitter. Criteria: ACMG Guidelines, 2015. Collection method: clinical testing. Allele origin: germline.

Ambry Genetics
Classification: Likely benign for Inborn genetic diseases. Last evaluated: 2020-01-14. Review status: criteria provided, single submitter. Criteria: Ambry Variant Classification Scheme 2023. Collection method: clinical testing. Allele origin: germline.

Illumina Laboratory Services, Illumina
Classification: Uncertain significance for Cohen syndrome. Last evaluated: 2018-01-12. Review status: criteria provided, single submitter. Criteria: ICSL Variant Classification Criteria 13 December 2019. Collection method: clinical testing. Allele origin: germline.

PreventionGenetics, part of Exact Sciences
Classification: Likely benign for VPS13B-related condition. Last evaluated: 2023-01-05. Review status: no assertion criteria provided. Collection method: clinical testing. Allele origin: germline. Not counted in ClinVar's aggregate classification.
Comment: This variant is classified as likely benign based on ACMG/AMP sequence variant interpretation guidelines (Richards et al. 2015 PMID: 25741868, with internal and published modifications).

NM_152564.5(VPS13B):c.3813A>G (p.Thr1271=)

Gene: VPS13B (vacuolar protein sorting 13 homolog B; plus strand). Cytogenetic location: 8q22.2.
Variant type: single nucleotide variant.
Coding change: c.3813A>G on transcript NM_152564.5 (MANE Select); coding-DNA position 3813, A replaced by G.
Protein change: p.Thr1271=; no amino-acid change (threonine 1271 retained).
Molecular consequence: synonymous variant.
Genome position (GRCh38, 1-based): chr8:99,481,745, A>G. VCF-style: chr8-99481745-A-G. GRCh37 (hg19) VCF-style: chr8-100493973-A-G.
Other names: p.Thr1271=; c.3813A>G, p.Thr1271= (NM_017890.5); c.3813A>G (NM_152564.4).
Identifiers: ClinVar variation 361059 (VCV000361059.19), dbSNP rs775071483, ClinGen allele CA4823342.